The following is an entry in ClinVar:

NM_004326.4(BCL9):c.1044C>T (p.Pro348=)

Gene: BCL9 (BCL9 transcription coactivator; plus strand). Cytogenetic location: 1q21.2.
Variant type: single nucleotide variant.
Coding change: c.1044C>T on transcript NM_004326.4 (MANE Select); coding-DNA position 1044, C replaced by T.
Protein change: p.Pro348=; no amino-acid change (proline 348 retained).
Molecular consequence: synonymous variant.
Genome position (GRCh38, 1-based): chr1:147,619,199, C>T. VCF-style: chr1-147619199-C-T. GRCh37 (hg19) VCF-style: chr1-147091005-C-T.
Identifiers: ClinVar variation 4871966 (VCV004871966.2).
Genomic context (GRCh38, chr1:147,619,199, plus strand): 5'-CAAAGCCCCTCCGCCTCCACCAGTGTCCAGTGGCGAGCCCCCCACACTGGGAGAGAATCC[C>T]GATGGCCTATCTCAGGAGCAGCTGGAGCACCGGGAGCGCTCCTTACAAACTCTCAGAGAT-3'
Protein context (NP_004317.2, residues 338-358): SGEPPTLGEN[Pro348=]DGLSQEQLEH

ClinVar aggregate classification (germline): Likely benign (1 of 4 stars; one submission).

gnomAD v4.1: 1,863 of 1,613,848 alleles (0.12%); highest among the groups gnomAD compares: South Asian, 0.65%; 10 homozygotes.

Submission:

CeGaT Center for Human Genetics Tuebingen
Classification: Likely benign. Last evaluated: 2026-05-01. Review status: criteria provided, single submitter. Criteria: CeGaT Center For Human Genetics Tuebingen Variant Classification Criteria Version 2. Collection method: clinical testing. Allele origin: germline. Affected: yes. Observed: 1 variant allele.
Comment: BCL9: BP4, BP7